The following is an entry in ClinVar:

ClinVar aggregate classification (germline): Uncertain significance. Review status: criteria provided, multiple submitters, no conflicts (2 of 4 stars). 2 submissions from 2 submitters: Uncertain significance (2). Last evaluated 2025-04-09.

Conditions:
Hereditary cancer-predisposing syndrome. Also called: Neoplastic Syndromes, Hereditary; Tumor predisposition; Hereditary neoplastic syndrome; Hereditary Cancer Syndrome. Identifiers: Orphanet 140162, MedGen C0027672, MeSH D009386, MONDO:0015356.
Rhabdoid tumor predisposition syndrome 2 (RTPS2). Identifiers: Orphanet 231108, Orphanet 69077, MedGen C2750074, MONDO:0013224, OMIM 613325.

Submissions (2):

Labcorp Genetics (formerly Invitae), Labcorp
Classification: Uncertain significance for Rhabdoid tumor predisposition syndrome 2. Last evaluated: 2025-04-09. Review status: criteria provided, single submitter. Criteria: Invitae Variant Classification Sherloc (09022015). Collection method: clinical testing. Allele origin: germline.
Comment: This sequence change replaces threonine, which is neutral and polar, with proline, which is neutral and non-polar, at codon 219 of the SMARCA4 protein (p.Thr219Pro). This variant is not present in population databases (gnomAD no frequency). This variant has not been reported in the literature in individuals affected with SMARCA4-related conditions. ClinVar contains an entry for this variant (Variation ID: 3233140). Invitae Evidence Modeling of protein sequence and biophysical properties (such as structural, functional, and spatial information, amino acid conservation, physicochemical variation, residue mobility, and thermodynamic stability) indicates that this missense variant is not expected to disrupt SMARCA4 protein function with a negative predictive value of 95%. In summary, the available evidence is currently insufficient to determine the role of this variant in disease. Therefore, it has been classified as a Variant of Uncertain Significance.

Ambry Genetics
Classification: Uncertain significance for Hereditary cancer-predisposing syndrome. Last evaluated: 2023-10-11. Review status: criteria provided, single submitter. Criteria: Ambry Variant Classification Scheme 2023. Collection method: clinical testing. Allele origin: germline.
Comment: The p.T219P variant (also known as c.655A>C), located in coding exon 3 of the SMARCA4 gene, results from an A to C substitution at nucleotide position 655. The threonine at codon 219 is replaced by proline, an amino acid with highly similar properties. This amino acid position is well conserved in available vertebrate species. In addition, this alteration is predicted to be tolerated by in silico analysis. Missense and in-frame variants in SMARCA4 are known to cause neurodevelopmental disorders; however, such associations with rhabdoid tumor predisposition syndrome including small cell carcinoma of the ovary-hypercalcemic type (SCCOHT) are exceedingly rare (Kosho T et al. Am J Med Genet C Semin Med Genet. 2014 Sep;166C(3):262-75; Jelinic P et al. Nat Genet. 2014 May;46(5):424-6). Based on the supporting evidence, the association of this alteration with Coffin-Siris syndrome is unknown; however, the association of this alteration with rhabdoid tumor predisposition syndrome is unlikely.

NM_003072.5(SMARCA4):c.655A>C (p.Thr219Pro)

Gene: SMARCA4 (SWI/SNF related BAF chromatin remodeling complex subunit ATPase 4; plus strand). Cytogenetic location: 19p13.2.
Variant type: single nucleotide variant.
Coding change: c.655A>C on transcript NM_003072.5 (MANE Select); coding-DNA position 655, A replaced by C.
Protein change: p.Thr219Pro; replaces threonine 219 with proline.
Molecular consequence: missense variant. On other transcripts: non-coding transcript variant (1).
Genome position (GRCh38, 1-based): chr19:10,986,488, A>C. VCF-style: chr19-10986488-A-C. GRCh37 (hg19) VCF-style: chr19-11097164-A-C.
Other names: c.655A>C, p.Thr219Pro (NM_001128844.3, NM_001128845.2, NM_001128846.2 and 6 more transcripts); short protein forms T219P.
Identifiers: ClinVar variation 3233140 (VCV003233140.2), dbSNP rs774085664, ClinGen allele CA404056829.